The following is an entry in ClinVar:

NM_000535.7(PMS2):c.244G>T (p.Gly82Cys)

Gene: PMS2 (PMS1 homolog 2, mismatch repair system component; minus strand). Cytogenetic location: 7p22.1.
Variant type: single nucleotide variant.
Coding change: c.244G>T on transcript NM_000535.7 (MANE Select); coding-DNA position 244, G replaced by T.
Protein change: p.Gly82Cys; replaces glycine 82 with cysteine.
Molecular consequence: missense variant. On other transcripts: 5 prime UTR variant (9), non-coding transcript variant (1).
Genome position (GRCh38, 1-based): chr7:6,003,978, C>A on the plus strand (G>T on the coding strand, the complement: PMS2 is on the minus strand). VCF-style: chr7-6003978-C-A. GRCh37 (hg19) VCF-style: chr7-6043609-C-A.
Other names: c.-162G>T (NM_001322003.2, NM_001322004.2, NM_001322005.2 and 3 more transcripts); c.244G>T, p.Gly82Cys (NM_001322006.2, NM_001322014.2); c.29G>T, p.Arg10Met (NM_001322007.2, NM_001322008.2); c.-641G>T (NM_001322011.2, NM_001322012.2); c.-241G>T (NM_001322015.2); short protein forms R10M, G82C.
Identifiers: ClinVar variation 921158 (VCV000921158.4), dbSNP rs754191682, ClinGen allele CA366744758.

ClinVar aggregate classification (germline): Uncertain significance. Review status: criteria provided, multiple submitters, no conflicts (2 of 4 stars). 2 submissions from 2 submitters: Uncertain significance (2). Last evaluated 2021-05-07.

Conditions:
Hereditary cancer-predisposing syndrome. Also called: Neoplastic Syndromes, Hereditary; Tumor predisposition; Hereditary Cancer Syndrome; Hereditary neoplastic syndrome. Identifiers: Orphanet 140162, MedGen C0027672, MeSH D009386, MONDO:0015356.

Submissions (2):

Ambry Genetics
Classification: Uncertain significance for Hereditary cancer-predisposing syndrome. Last evaluated: 2021-05-07. Review status: criteria provided, single submitter. Criteria: Ambry Variant Classification Scheme 2023. Collection method: clinical testing. Allele origin: germline.
Comment: The p.G82C variant (also known as c.244G>T), located in coding exon 3 of the PMS2 gene, results from a G to T substitution at nucleotide position 244. The glycine at codon 82 is replaced by cysteine, an amino acid with highly dissimilar properties. This amino acid position is highly conserved in available vertebrate species. In addition, this alteration is predicted to be deleterious by in silico analysis. Since supporting evidence is limited at this time, the clinical significance of this alteration remains unclear.

Color Diagnostics, LLC DBA Color Health
Classification: Uncertain significance for Hereditary cancer-predisposing syndrome. Last evaluated: 2018-12-11. Review status: criteria provided, single submitter. Criteria: ACMG Guidelines, 2015. Collection method: clinical testing. Allele origin: germline.